The following is an entry in ClinVar:

ClinVar aggregate classification (germline): Uncertain significance (1 of 4 stars; one submission).

Conditions:
SCN11A-related disorder. Also called: SCN11A-related condition.

Submission:

PreventionGenetics, part of Exact Sciences
Classification: Uncertain significance for SCN11A-related condition. Last evaluated: 2026-07-14. Review status: criteria provided, single submitter. Criteria: ACMG Guidelines, 2015. Collection method: clinical testing. Allele origin: germline.
Comment: The SCN11A c.3952T>C variant is not predicted to result in an amino acid change (p.=). This variant affects the first nucleotide of exon 24 and is predicted to alter splicing based on available splicing prediction programs (SpliceAI, Jaganathan et al. 2019. PubMed ID: 30661751); however, the use of computer prediction programs is not equivalent to functional evidence. To our knowledge, this variant has not been reported in the literature or in a large population database (gnomAD), indicating this variant is rare. At this time, the clinical significance of this variant is uncertain due to the absence of conclusive functional and genetic evidence.

NM_001349253.2(SCN11A):c.3952T>C (p.Leu1318=)

Gene: SCN11A (sodium voltage-gated channel alpha subunit 11; minus strand). Cytogenetic location: 3p22.2.
Variant type: single nucleotide variant.
Coding change: c.3952T>C on transcript NM_001349253.2 (MANE Select); coding-DNA position 3952, T replaced by C.
Protein change: p.Leu1318=; no amino-acid change (leucine 1318 retained).
Molecular consequence: synonymous variant.
Genome position (GRCh38, 1-based): chr3:38,863,299, A>G on the plus strand (T>C on the coding strand, the complement: SCN11A is on the minus strand). VCF-style: chr3-38863299-A-G. GRCh37 (hg19) VCF-style: chr3-38904790-A-G.
Other names: c.3952T>C, p.Leu1318= (NM_014139.3).
Identifiers: ClinVar variation 4980491 (VCV004980491.1).
Genomic context (GRCh38, chr3:38,863,299, plus strand): 5'-TTTTCATTGCATTATAGTATTTCTTCTGTTCTTCTGTCATAAAAATGTCTTGGCCACCTA[A>G]GTATATGGAGAAGATAAGAGCTAATTACCTTTAACAGTTTTTTTTTTAATCTAGTTCTGA-3'
Protein context (NP_001336182.1, residues 1308-1328): IDNFNQQQKK[Leu1318=]GGQDIFMTEE